The following is an entry in ClinVar:

ClinVar aggregate classification (germline): Uncertain significance (1 of 4 stars; one submission).

Conditions:
Hereditary cancer-predisposing syndrome. Also called: Tumor predisposition; Hereditary Cancer Syndrome; Hereditary neoplastic syndrome; Neoplastic Syndromes, Hereditary. Identifiers: Orphanet 140162, MedGen C0027672, MeSH D009386, MONDO:0015356.

Submission:

Ambry Genetics
Classification: Uncertain significance for Hereditary cancer-predisposing syndrome. Last evaluated: 2024-05-22. Review status: criteria provided, single submitter. Criteria: Ambry Variant Classification Scheme 2023. Collection method: clinical testing. Allele origin: germline.
Comment: The p.T87A variant (also known as c.259A>G), located in coding exon 2 of the PHOX2B gene, results from an A to G substitution at nucleotide position 259. The threonine at codon 87 is replaced by alanine, an amino acid with similar properties. This amino acid position is conserved. In addition, the in silico prediction for this alteration is inconclusive. Based on the available evidence, the clinical significance of this variant remains unclear.

NM_003924.4(PHOX2B):c.259A>G (p.Thr87Ala)

Gene: PHOX2B (paired like homeobox 2B; minus strand). Cytogenetic location: 4p13.
Variant type: single nucleotide variant.
Coding change: c.259A>G on transcript NM_003924.4 (MANE Select); coding-DNA position 259, A replaced by G.
Protein change: p.Thr87Ala; replaces threonine 87 with alanine.
Molecular consequence: missense variant.
Genome position (GRCh38, 1-based): chr4:41,747,519, T>C on the plus strand (A>G on the coding strand, the complement: PHOX2B is on the minus strand). VCF-style: chr4-41747519-T-C. GRCh37 (hg19) VCF-style: chr4-41749536-T-C.
Other names: short protein forms T87A.
Identifiers: ClinVar variation 3306283 (VCV003306283.1).